The following is an entry in ClinVar:

ClinVar aggregate classification (germline): Uncertain significance (1 of 4 stars; one submission).

Conditions:
DICER1-related tumor predisposition. Also called: DICER1-related pleuropulmonary blastoma cancer predisposition syndrome; DICER1 syndrome. Identifiers: Orphanet 284343, MedGen C3839822, MONDO:0100216.

Submission:

Labcorp Genetics (formerly Invitae), Labcorp
Classification: Uncertain significance for DICER1-related tumor predisposition. Last evaluated: 2023-09-17. Review status: criteria provided, single submitter. Criteria: Invitae Variant Classification Sherloc (09022015). Collection method: clinical testing. Allele origin: germline.
Comment: This sequence change replaces tyrosine, which is neutral and polar, with cysteine, which is neutral and slightly polar, at codon 560 of the DICER1 protein (p.Tyr560Cys). In summary, the available evidence is currently insufficient to determine the role of this variant in disease. Therefore, it has been classified as a Variant of Uncertain Significance. Advanced modeling of protein sequence and biophysical properties (such as structural, functional, and spatial information, amino acid conservation, physicochemical variation, residue mobility, and thermodynamic stability) performed at Invitae indicates that this missense variant is expected to disrupt DICER1 protein function. This variant has not been reported in the literature in individuals affected with DICER1-related conditions. This variant is not present in population databases (gnomAD no frequency).

NM_177438.3(DICER1):c.1679A>G (p.Tyr560Cys)

Gene: DICER1 (dicer 1, ribonuclease III; minus strand). Cytogenetic location: 14q32.13.
Variant type: single nucleotide variant.
Coding change: c.1679A>G on transcript NM_177438.3 (MANE Select); coding-DNA position 1679, A replaced by G.
Protein change: p.Tyr560Cys; replaces tyrosine 560 with cysteine.
Molecular consequence: missense variant. On other transcripts: 5 prime UTR variant (1), non-coding transcript variant (6).
Genome position (GRCh38, 1-based): chr14:95,116,526, T>C on the plus strand (A>G on the coding strand, the complement: DICER1 is on the minus strand). VCF-style: chr14-95116526-T-C. GRCh37 (hg19) VCF-style: chr14-95582863-T-C.
Other names: c.1679A>G, p.Tyr560Cys (NM_001195573.1, NM_001271282.3, NM_001291628.2 and 13 more transcripts); c.1397A>G, p.Tyr466Cys (NM_001395686.1); c.1274A>G, p.Tyr425Cys (NM_001395687.1, NM_001395688.1, NM_001395689.1 and 3 more transcripts); c.1112A>G, p.Tyr371Cys (NM_001395691.1); c.-5A>G (NM_001395697.1); short protein forms Y466C, Y371C, Y425C, Y560C.
Identifiers: ClinVar variation 2761149 (VCV002761149.3), dbSNP rs2543030455, ClinGen allele CA390884813.